The following is an entry in ClinVar:

NM_001377.3(DYNC2H1):c.10574G>A (p.Arg3525Gln)

Gene: DYNC2H1 (dynein cytoplasmic 2 heavy chain 1; plus strand). Cytogenetic location: 11q22.3.
Variant type: single nucleotide variant.
Coding change: c.10574G>A on transcript NM_001377.3 (MANE Select); coding-DNA position 10574, G replaced by A.
Protein change: p.Arg3525Gln; replaces arginine 3525 with glutamine.
Molecular consequence: missense variant.
Genome position (GRCh38, 1-based): chr11:103,257,720, G>A. VCF-style: chr11-103257720-G-A. GRCh37 (hg19) VCF-style: chr11-103128449-G-A.
Other names: c.10595G>A, p.Arg3532Gln (NM_001080463.2); c.10595G>A (NM_001080463.1); short protein forms R3525Q, R3532Q.
Identifiers: ClinVar variation 4749415 (VCV004749415.2).
Genomic context (GRCh38, chr11:103,257,720, plus strand): 5'-TTATTTCTGATTTGTCCAAAATTAATAACATGTACCGTTTTAGTTTGGCTGCTTTTCTCC[G>A]ACTTTTCCAACGAGCTCTACAAAACAAACAGGTAAGCTGTTGGATACCCTGTACCAGAGA-3'
Protein context (NP_001368.2, residues 3515-3535): MYRFSLAAFL[Arg3525Gln]LFQRALQNKQ

ClinVar aggregate classification (germline): Uncertain significance. Review status: criteria provided, multiple submitters, no conflicts (2 of 4 stars). 2 submissions from 2 submitters: Uncertain significance (2). Last evaluated 2026-03-27.

Conditions:
Jeune thoracic dystrophy. Also called: Jeune syndrome; Infantile thoracic dystrophy; Thoracic pelvic phalangeal dystrophy; Jeune's syndrome; Chondroectodermal dysplasia-like syndrome; Short-rib thoracic dysplasia. Identifiers: Orphanet 474, MedGen C0265275, MONDO:0018770.
DYNC2H1-related disorder. Also called: DYNC2H1-related condition; DYNC2H1-related disorders. Identifiers: MedGen CN378770.

gnomAD v4.1: 15 of 1,603,512 alleles (0.00094%); highest among the groups gnomAD compares: South Asian, 0.0022%; no homozygotes.

Submissions (2):

PreventionGenetics, part of Exact Sciences
Classification: Uncertain significance for DYNC2H1-related condition. Last evaluated: 2026-03-27. Review status: criteria provided, single submitter. Criteria: ACMG Guidelines, 2015. Collection method: clinical testing. Allele origin: germline.
Comment: The DYNC2H1 c.10595G>A variant is predicted to result in the amino acid substitution p.Arg3532Gln. To our knowledge, this variant has not been reported in the literature. This variant is reported in 0.0070% of alleles in individuals of African descent in gnomAD. At this time, the clinical significance of this variant is uncertain due to the absence of conclusive functional and genetic evidence.

Labcorp Genetics (formerly Invitae), Labcorp
Classification: Uncertain significance for Jeune thoracic dystrophy. Last evaluated: 2025-12-08. Review status: criteria provided, single submitter. Criteria: Invitae Variant Classification Sherloc (09022015). Collection method: clinical testing. Allele origin: germline.
Comment: This sequence change replaces arginine, which is basic and polar, with glutamine, which is neutral and polar, at codon 3532 of the DYNC2H1 protein (p.Arg3532Gln). The frequency data for this variant in the population databases is considered unreliable, as metrics indicate poor data quality at this position in the gnomAD database. This variant has not been reported in the literature in individuals affected with DYNC2H1-related conditions. Invitae Evidence Modeling of protein sequence and biophysical properties (such as structural, functional, and spatial information, amino acid conservation, physicochemical variation, residue mobility, and thermodynamic stability) has been performed for this missense variant. However, the output from this modeling did not meet the statistical confidence thresholds required to predict the impact of this variant on DYNC2H1 protein function. In summary, the available evidence is currently insufficient to determine the role of this variant in disease. Therefore, it has been classified as a Variant of Uncertain Significance.